The following is an entry in ClinVar:

NM_014425.5(INVS):c.1506T>C (p.Leu502=)

Gene: INVS (inversin; plus strand). Cytogenetic location: 9q31.1.
Variant type: single nucleotide variant.
Coding change: c.1506T>C on transcript NM_014425.5 (MANE Select); coding-DNA position 1506, T replaced by C.
Protein change: p.Leu502=; no amino-acid change (leucine 502 retained).
Molecular consequence: synonymous variant. On other transcripts: non-coding transcript variant (1).
Genome position (GRCh38, 1-based): chr9:100,264,863, T>C. VCF-style: chr9-100264863-T-C. GRCh37 (hg19) VCF-style: chr9-103027145-T-C.
Other names: c.1218T>C, p.Leu406= (NM_001318381.2); c.528T>C, p.Leu176= (NM_001318382.2); c.1506T>C (NM_014425.4).
Identifiers: ClinVar variation 2161489 (VCV002161489.6), dbSNP rs974225124, ClinGen allele CA196878767.

ClinVar aggregate classification (germline): Likely benign. Review status: criteria provided, single submitter (1 of 4 stars). 2 submissions from 2 submitters: Likely benign (1). 1 of the submissions does not count toward it. Last evaluated 2025-12-01.

Conditions:
Nephronophthisis. Also called: Juvenile Nephronophthisis. Identifiers: Orphanet 655, MedGen C0687120, MONDO:0019005, HP:0000090.
INVS-related disorder. Also called: INVS-related condition.

Allele frequency attached by ClinVar (database versions not stated): gnomAD exomes below 0.00001; gnomAD 0.00001; TOPMed 0.00001.
gnomAD v4.1: 8 of 1,614,022 alleles (0.0005%); highest among the groups gnomAD compares: East Asian, 0.0022%; no homozygotes.

Submissions (2):

Labcorp Genetics (formerly Invitae), Labcorp
Classification: Likely benign for Nephronophthisis. Last evaluated: 2025-12-01. Review status: criteria provided, single submitter. Criteria: Invitae Variant Classification Sherloc (09022015). Collection method: clinical testing. Allele origin: germline.

PreventionGenetics, part of Exact Sciences
Classification: Likely benign for INVS-related condition. Last evaluated: 2019-09-03. Review status: no assertion criteria provided. Collection method: clinical testing. Allele origin: germline. Not counted in ClinVar's aggregate classification.
Comment: This variant is classified as likely benign based on ACMG/AMP sequence variant interpretation guidelines (Richards et al. 2015 PMID: 25741868, with internal and published modifications).